The following is an entry in ClinVar:

ClinVar aggregate classification (germline): Uncertain significance (1 of 4 stars; one submission).

Conditions:
Hypertrophic cardiomyopathy. Also called: HYPERTROPHIC MYOCARDIOPATHY. Identifiers: Orphanet 217569, MedGen C0007194, MeSH D002312, MONDO:0005045, HP:0001639.

Submission:

All of Us Research Program, National Institutes of Health
Classification: Uncertain significance for Hypertrophic cardiomyopathy. Last evaluated: 2023-08-23. Review status: criteria provided, single submitter. Criteria: ACMG Guidelines, 2015. Collection method: clinical testing. Allele origin: germline. Inheritance: Autosomal dominant inheritance. Observed: 1 variant allele, 1 heterozygote.
Comment: This missense variant replaces isoleucine with phenylalanine at codon 146 of the TPM1 protein. Computational prediction is inconclusive regarding the impact of this variant on protein structure and function (internally defined REVEL score threshold 0.5 < inconclusive < 0.7, PMID: 27666373). To our knowledge, functional studies have not been reported for this variant. This variant has not been reported in individuals affected with TPM1-related disorders in the literature. This variant has not been identified in the general population by the Genome Aggregation Database (gnomAD). The available evidence is insufficient to determine the role of this variant in disease conclusively. Therefore, this variant is classified as a Variant of Uncertain Significance.

This study involves interpretation of variants in research participants for the purpose of population health screening. Participant phenotype was not available at the time of variant classification. Additional details can be found in publication PMID: 35346344, PMCID: PMC8962531

NM_001018005.2(TPM1):c.436A>T (p.Ile146Phe)

Gene: TPM1 (tropomyosin 1; plus strand). Cytogenetic location: 15q22.2.
Variant type: single nucleotide variant.
Coding change: c.436A>T on transcript NM_001018005.2 (MANE Select); coding-DNA position 436, A replaced by T.
Protein change: p.Ile146Phe; replaces isoleucine 146 with phenylalanine.
Molecular consequence: missense variant. On other transcripts: non-coding transcript variant (17).
Genome position (GRCh38, 1-based): chr15:63,059,624, A>T. VCF-style: chr15-63059624-A-T. GRCh37 (hg19) VCF-style: chr15-63351823-A-T.
Other names: c.436A>T, p.Ile146Phe (NM_000366.6, NM_001018004.2, NM_001018006.2 and 20 more transcripts); c.328A>T, p.Ile110Phe (NM_001018008.2, NM_001301289.2, NM_001330344.2 and 9 more transcripts); c.562A>T, p.Ile188Phe (NM_001407323.1, NM_001407324.1, NM_001365778.1 and 1 more transcripts); short protein forms I110F, I146F, I188F.
Identifiers: ClinVar variation 3073114 (VCV003073114.1), dbSNP rs2542776671, ClinGen allele CA392722230.